The following is an entry in ClinVar:

NM_001424.6(EMP2):c.451G>C (p.Ala151Pro)

Gene: EMP2 (epithelial membrane protein 2; minus strand). Cytogenetic location: 16p13.13.
Variant type: single nucleotide variant.
Coding change: c.451G>C on transcript NM_001424.6 (MANE Select); coding-DNA position 451, G replaced by C.
Protein change: p.Ala151Pro; replaces alanine 151 with proline.
Molecular consequence: missense variant.
Genome position (GRCh38, 1-based): chr16:10,532,958, C>G on the plus strand (G>C on the coding strand, the complement: EMP2 is on the minus strand). VCF-style: chr16-10532958-C-G. GRCh37 (hg19) VCF-style: chr16-10626815-C-G.
Other names: short protein forms A151P.
Identifiers: ClinVar variation 2077728 (VCV002077728.1), dbSNP rs143506635, ClinGen allele CA7897723.
Genomic context (GRCh38, chr16:10,532,958, plus strand): 5'-CGGAACTCTATTTGCGCTTCCTCAGTATCAGGTACATCATGCCGCTGATGAAGGTGCAGG[C>G]GAAGGCCACCCACGCCAGGATGTAGGAGTAGCCGTAGCTGCCTTCTCTGGTCACGGGATA-3'
Protein context (NP_001415.1, residues 141-161): YSYILAWVAF[Ala151Pro]CTFISGMMYL

ClinVar aggregate classification (germline): Uncertain significance (1 of 4 stars; one submission).

Allele frequency attached by ClinVar (database versions not stated): 1000 Genomes Project 30x 0.00016; 1000 Genomes Project 0.00020; ESP Exome Variant Server 0.00046.
gnomAD v4.1: 554 of 1,608,078 alleles (0.034%); highest among the groups gnomAD compares: Non-Finnish European, 0.045%; no homozygotes.

Submission:

Labcorp Genetics (formerly Invitae), Labcorp
Classification: Uncertain significance. Last evaluated: 2022-05-15. Review status: criteria provided, single submitter. Criteria: Invitae Variant Classification Sherloc (09022015). Collection method: clinical testing. Allele origin: germline.
Comment: This sequence change replaces alanine, which is neutral and non-polar, with proline, which is neutral and non-polar, at codon 151 of the EMP2 protein (p.Ala151Pro). This variant is present in population databases (rs143506635, gnomAD 0.04%). This variant has not been reported in the literature in individuals affected with EMP2-related conditions. Algorithms developed to predict the effect of missense changes on protein structure and function (SIFT, PolyPhen-2, Align-GVGD) all suggest that this variant is likely to be tolerated. In summary, the available evidence is currently insufficient to determine the role of this variant in disease. Therefore, it has been classified as a Variant of Uncertain Significance.